The following is an entry in ClinVar:

NM_006231.4(POLE):c.5242A>G (p.Met1748Val)

Gene: POLE (DNA polymerase epsilon, catalytic subunit; minus strand). Cytogenetic location: 12q24.33.
Variant type: single nucleotide variant.
Coding change: c.5242A>G on transcript NM_006231.4 (MANE Select); coding-DNA position 5242, A replaced by G.
Protein change: p.Met1748Val; replaces methionine 1748 with valine.
Molecular consequence: missense variant.
Genome position (GRCh38, 1-based): chr12:132,641,783, T>C on the plus strand (A>G on the coding strand, the complement: POLE is on the minus strand). VCF-style: chr12-132641783-T-C. GRCh37 (hg19) VCF-style: chr12-133218369-T-C.
Other names: c.5242A>G (NM_006231.2); short protein forms M1748V.
Identifiers: ClinVar variation 941619 (VCV000941619.9), dbSNP rs765551089, ClinGen allele CA6892585.

ClinVar aggregate classification (germline): Conflicting classifications of pathogenicity. Review status: criteria provided, conflicting classifications (1 of 4 stars). 3 submissions from 3 submitters: Uncertain significance (2); Likely benign (1). Last evaluated 2025-06-17.

Conditions:
Hereditary cancer-predisposing syndrome. Also called: Hereditary neoplastic syndrome; Neoplastic Syndromes, Hereditary; Tumor predisposition; Hereditary Cancer Syndrome. Identifiers: Orphanet 140162, MedGen C0027672, MeSH D009386, MONDO:0015356.

Allele frequency attached by ClinVar (database versions not stated): gnomAD exomes below 0.00001 and 0.00002; TOPMed below 0.00001; ExAC 0.00002.

Submissions (3):

Labcorp Genetics (formerly Invitae), Labcorp
Classification: Uncertain significance. Last evaluated: 2025-06-17. Review status: criteria provided, single submitter. Criteria: Invitae Variant Classification Sherloc (09022015). Collection method: clinical testing. Allele origin: germline.
Comment: This sequence change replaces methionine, which is neutral and non-polar, with valine, which is neutral and non-polar, at codon 1748 of the POLE protein (p.Met1748Val). This variant is present in population databases (rs765551089, gnomAD 0.01%). This variant has not been reported in the literature in individuals affected with POLE-related conditions. ClinVar contains an entry for this variant (Variation ID: 941619). Invitae Evidence Modeling of protein sequence and biophysical properties (such as structural, functional, and spatial information, amino acid conservation, physicochemical variation, residue mobility, and thermodynamic stability) indicates that this missense variant is not expected to disrupt POLE protein function with a negative predictive value of 80%. In summary, the available evidence is currently insufficient to determine the role of this variant in disease. Therefore, it has been classified as a Variant of Uncertain Significance.

Ambry Genetics
Classification: Likely benign for Hereditary cancer-predisposing syndrome. Last evaluated: 2024-12-28. Review status: criteria provided, single submitter. Criteria: Ambry Variant Classification Scheme 2023. Collection method: clinical testing. Allele origin: germline.

GeneDx
Classification: Uncertain significance. Last evaluated: 2023-08-05. Review status: criteria provided, single submitter. Criteria: GeneDx Variant Classification Process June 2021. Collection method: clinical testing. Allele origin: germline. Affected: yes.
Comment: Not observed at significant frequency in large population cohorts (gnomAD); In silico analysis supports that this missense variant does not alter protein structure/function; Has not been previously published as pathogenic or benign to our knowledge